The following is an entry in ClinVar:

NM_000489.6(ATRX):c.1556C>G (p.Ser519Cys)

Gene: ATRX (ATRX chromatin remodeler; minus strand). Cytogenetic location: Xq21.1.
Variant type: single nucleotide variant.
Coding change: c.1556C>G on transcript NM_000489.6 (MANE Select); coding-DNA position 1556, C replaced by G.
Protein change: p.Ser519Cys; replaces serine 519 with cysteine.
Molecular consequence: missense variant.
Genome position (GRCh38, 1-based): chrX:77,683,700, G>C on the plus strand (C>G on the coding strand, the complement: ATRX is on the minus strand). VCF-style: chrX-77683700-G-C. GRCh37 (hg19) VCF-style: chrX-76939192-G-C.
Other names: c.1442C>G, p.Ser481Cys (NM_138270.5); short protein forms S519C, S481C.
Identifiers: ClinVar variation 1964528 (VCV001964528.5), dbSNP rs2148619839, ClinGen allele CA413717401.

ClinVar aggregate classification (germline): Uncertain significance (1 of 4 stars; one submission).

Conditions:
Alpha thalassemia-X-linked intellectual disability syndrome (ATRX). Also called: ALPHA-THALASSEMIA/MENTAL RETARDATION SYNDROME, X-LINKED; ATR, NONDELETION TYPE; ATR-X syndrome; Alpha thalassemia mental retardation syndrome, nondeletion type, X-linked; XLMR hypotonic face syndrome; X-linked alpha-thalassemia-mental retardation syndrome. Identifiers: Orphanet 847, MedGen C1845055, MONDO:0010519, OMIM 301040.

Submission:

Labcorp Genetics (formerly Invitae), Labcorp
Classification: Uncertain significance for Alpha thalassemia-X-linked intellectual disability syndrome. Last evaluated: 2022-03-12. Review status: criteria provided, single submitter. Criteria: Invitae Variant Classification Sherloc (09022015). Collection method: clinical testing. Allele origin: germline.
Comment: In summary, the available evidence is currently insufficient to determine the role of this variant in disease. Therefore, it has been classified as a Variant of Uncertain Significance. Advanced modeling of protein sequence and biophysical properties (such as structural, functional, and spatial information, amino acid conservation, physicochemical variation, residue mobility, and thermodynamic stability) performed at Invitae indicates that this missense variant is expected to disrupt ATRX protein function. This variant has not been reported in the literature in individuals affected with ATRX-related conditions. This variant is not present in population databases (gnomAD no frequency). This sequence change replaces serine, which is neutral and polar, with cysteine, which is neutral and slightly polar, at codon 519 of the ATRX protein (p.Ser519Cys).